The following is an entry in ClinVar:

ClinVar aggregate classification (germline): Uncertain significance. Review status: criteria provided, multiple submitters, no conflicts (2 of 4 stars). 2 submissions from 2 submitters: Uncertain significance (2). Last evaluated 2025-11-19.

Conditions:
Inborn genetic diseases. Identifiers: MedGen C0950123, MeSH D030342.

Allele frequency attached by ClinVar (database versions not stated): gnomAD exomes below 0.00001; ExAC 0.00001.
gnomAD v4.1: 6 of 1,614,172 alleles (0.00037%); highest among the groups gnomAD compares: Non-Finnish European, 0.00051%; no homozygotes.

Submissions (2):

Labcorp Genetics (formerly Invitae), Labcorp
Classification: Uncertain significance. Last evaluated: 2025-11-19. Review status: criteria provided, single submitter. Criteria: Invitae Variant Classification Sherloc (09022015). Collection method: clinical testing. Allele origin: germline.
Comment: This sequence change replaces valine, which is neutral and non-polar, with methionine, which is neutral and non-polar, at codon 342 of the LBR protein (p.Val342Met). This variant is present in population databases (rs772814364, gnomAD 0.002%). This variant has not been reported in the literature in individuals affected with LBR-related conditions. ClinVar contains an entry for this variant (Variation ID: 1946672). Invitae Evidence Modeling of protein sequence and biophysical properties (such as structural, functional, and spatial information, amino acid conservation, physicochemical variation, residue mobility, and thermodynamic stability) indicates that this missense variant is not expected to disrupt LBR protein function with a negative predictive value of 80%. In summary, the available evidence is currently insufficient to determine the role of this variant in disease. Therefore, it has been classified as a Variant of Uncertain Significance.

Ambry Genetics
Classification: Uncertain significance for Inborn genetic diseases. Last evaluated: 2024-05-16. Review status: criteria provided, single submitter. Criteria: Ambry Variant Classification Scheme 2023. Collection method: clinical testing. Allele origin: germline.

NM_002296.4(LBR):c.1024G>A (p.Val342Met)

Gene: LBR (lamin B receptor; minus strand). Cytogenetic location: 1q42.12.
Variant type: single nucleotide variant.
Coding change: c.1024G>A on transcript NM_002296.4 (MANE Select); coding-DNA position 1024, G replaced by A.
Protein change: p.Val342Met; replaces valine 342 with methionine.
Molecular consequence: missense variant.
Genome position (GRCh38, 1-based): chr1:225,412,514, C>T on the plus strand (G>A on the coding strand, the complement: LBR is on the minus strand). VCF-style: chr1-225412514-C-T. GRCh37 (hg19) VCF-style: chr1-225600216-C-T.
Other names: c.1024G>A (NM_002296.3); c.1024G>A, p.Val342Met (NM_194442.3); short protein forms V342M.
Identifiers: ClinVar variation 1946672 (VCV001946672.6), dbSNP rs772814364, ClinGen allele CA1417264.